The following is an entry in ClinVar:

ClinVar aggregate classification (germline): Conflicting classifications of pathogenicity. Review status: criteria provided, conflicting classifications (1 of 4 stars). 3 submissions from 3 submitters: Pathogenic (1); Likely pathogenic (1); Uncertain significance (1). Last evaluated 2025-12-09.

Conditions:
Pontocerebellar hypoplasia type 1A (PCH1A). Also called: PONTOCEREBELLAR HYPOPLASIA WITH ANTERIOR HORN CELL DISEASE; PONTOCEREBELLAR HYPOPLASIA WITH INFANTILE SPINAL MUSCULAR ATROPHY. Identifiers: Orphanet 2254, Orphanet 88616, MedGen C1843504, MONDO:0011866, OMIM 607596.
Neuronopathy, distal hereditary motor, autosomal recessive 10 (HMNR10). Also called: NEUROPATHY, DISTAL HEREDITARY MOTOR, AUTOSOMAL RECESSIVE 10; VRK1-RELATED MOTOR NEURON DISEASE. Identifiers: MedGen C5882703, MONDO:0957876, OMIM 620542.

Allele frequency attached by ClinVar (database versions not stated): gnomAD exomes below 0.00001; ExAC 0.00001; gnomAD 0.00001.

Submissions (3):

Natera, Inc.
Classification: Likely pathogenic for Pontocerebellar hypoplasia, type 1a. Last evaluated: 2025-12-09. Review status: criteria provided, single submitter. Criteria: Natera Variant Classification Schema (03/2026). Collection method: clinical testing. Allele origin: germline.
Comment: The c.6delT variant in VRK1 is a frameshift variant predicted to shift the reading frame beginning at codon 3 and leads to a stop codon 2 codons downstream. This variant is expected to result in nonsense mediated decay, truncation, or a dysfunctional protein product. This variant is rare in the general population with a frequency below the threshold expected for the associated phenotype(s). Given the available evidence, this variant is classified as Likely Pathogenic.

Fulgent Genetics
Classification: Uncertain significance for Pontocerebellar hypoplasia type 1A; Neuronopathy, distal hereditary motor, autosomal recessive 10. Last evaluated: 2024-04-14. Review status: criteria provided, single submitter. Criteria: ACMG Guidelines, 2015. Collection method: clinical testing. Allele origin: germline.

Labcorp Genetics (formerly Invitae), Labcorp
Classification: Pathogenic for Pontocerebellar hypoplasia type 1A. Last evaluated: 2023-08-31. Review status: criteria provided, single submitter. Criteria: Invitae Variant Classification Sherloc (09022015). Collection method: clinical testing. Allele origin: germline.
Comment: This variant is present in population databases (rs780789145, gnomAD 0.003%). This variant has not been reported in the literature in individuals affected with VRK1-related conditions. ClinVar contains an entry for this variant (Variation ID: 533538). For these reasons, this variant has been classified as Pathogenic. This sequence change creates a premature translational stop signal (p.Arg3Valfs*2) in the VRK1 gene. It is expected to result in an absent or disrupted protein product. Loss-of-function variants in VRK1 are known to be pathogenic (PMID: 19646678, 24126608, 27281532).

Literature cited by the submitters: PubMed 19646678 (cited by Labcorp Genetics (formerly Invitae), Labcorp); PubMed 24126608 (cited by Labcorp Genetics (formerly Invitae), Labcorp); PubMed 27281532 (cited by Labcorp Genetics (formerly Invitae), Labcorp).

NM_003384.3(VRK1):c.6del (p.Arg3fs)

Gene: VRK1 (VRK serine/threonine kinase 1; plus strand). Cytogenetic location: 14q32.2.
Variant type: Deletion.
Coding change: c.6del on transcript NM_003384.3 (MANE Select); coding-DNA position 6, one base deleted (T; older notation c.6delT).
Protein change: p.Arg3fs; shifts the reading frame from arginine 3.
Molecular consequence: frameshift variant.
Genome position (GRCh38, 1-based): chr14:96,833,477, T deleted. VCF-style (leftmost placement, unchanged base first): chr14-96833476-CT-C. GRCh37 (hg19) VCF-style: chr14-97299813-CT-C.
Other names: short protein forms R3fs.
Identifiers: ClinVar variation 533538 (VCV000533538.11), dbSNP rs780789145, ClinGen allele CA7338832.
Genomic context (GRCh38, chr14:96,833,476, plus strand): 5'-TAAACACTTCTAAGATTAGAATTCTGACCATTTCTTTGTTTTATGTTATAGTGAAAATGC[CT>C]CGTGTAAAAGCAGCTCAAGCTGGAAGACAGAGCTCTGCAAAGAGACATCTTGCAGAACAA-3'